The following is an entry in ClinVar:

ClinVar aggregate classification (germline): Uncertain significance (1 of 4 stars; one submission).

Submission:

Labcorp Genetics (formerly Invitae), Labcorp
Classification: Uncertain significance. Last evaluated: 2025-07-24. Review status: criteria provided, single submitter. Criteria: Invitae Variant Classification Sherloc (09022015). Collection method: clinical testing. Allele origin: germline.
Comment: This sequence change replaces serine, which is neutral and polar, with cysteine, which is neutral and slightly polar, at codon 239 of the DGKZ protein (p.Ser239Cys). This variant is not present in population databases (gnomAD no frequency). This variant has not been reported in the literature in individuals affected with DGKZ-related conditions. An algorithm developed to predict the effect of missense changes on protein structure and function (PolyPhen-2) suggests that this variant is likely to be tolerated. In summary, the available evidence is currently insufficient to determine the role of this variant in disease. Therefore, it has been classified as a Variant of Uncertain Significance.

NM_001199267.2(DGKZ):c.162-320A>T

Gene: DGKZ (diacylglycerol kinase zeta; plus strand). Cytogenetic location: 11p11.2.
Variant type: single nucleotide variant.
Coding change: c.162-320A>T on transcript NM_001199267.2 (MANE Select); 320 bases into the intron before coding-DNA position 162, A replaced by T.
Molecular consequence: intron variant. On other transcripts: missense variant (1).
Genome position (GRCh38, 1-based): chr11:46,366,971, A>T. VCF-style: chr11-46366971-A-T. GRCh37 (hg19) VCF-style: chr11-46388521-A-T.
Other names: c.715A>T, p.Ser239Cys (NM_001105540.2); c.213-320A>T (NM_201532.3); c.177-320A>T (NM_201533.3); c.162-320A>T (NM_001199266.2, NM_003646.4, NM_001199268.2); short protein forms S239C.
Identifiers: ClinVar variation 4709003 (VCV004709003.1).
Genomic context (GRCh38, chr11:46,366,971, plus strand): 5'-CCACTGTCCCGCAGGCGCCAGGTAGCCCTACGGCGCAAGGCGGCCGGACCCCAGGCCTGG[A>T]GCGCCCTGCTCGCGTAGGTATAGCTGTGGCCAGCAGGGCGAGTGGTGTGACCTCCTGTGG-3'